The following is an entry in ClinVar:

ClinVar aggregate classification (germline): Uncertain significance (1 of 4 stars; one submission).

Conditions:
CHARGE syndrome (CHARGE). Also called: Hittner Hirsch Kreh syndrome; CHARGE ASSOCIATION--COLOBOMA, HEART ANOMALY, CHOANAL ATRESIA, RETARDATION, GENITAL AND EAR ANOMALIES; Coloboma, heart anomaly, choanal atresia, retardation, genital and ear anomalies; CHARGE association; Hall-Hittner syndrome. Identifiers: Orphanet 138, MedGen C0265354, MONDO:0008965.

Submission:

Labcorp Genetics (formerly Invitae), Labcorp
Classification: Uncertain significance for CHARGE syndrome. Last evaluated: 2023-02-08. Review status: criteria provided, single submitter. Criteria: Invitae Variant Classification Sherloc (09022015). Collection method: clinical testing. Allele origin: germline.
Comment: This variant is not present in population databases (gnomAD no frequency). This sequence change replaces threonine, which is neutral and polar, with asparagine, which is neutral and polar, at codon 1980 of the CHD7 protein (p.Thr1980Asn). This variant has not been reported in the literature in individuals affected with CHD7-related conditions. In summary, the available evidence is currently insufficient to determine the role of this variant in disease. Therefore, it has been classified as a Variant of Uncertain Significance. Advanced modeling of protein sequence and biophysical properties (such as structural, functional, and spatial information, amino acid conservation, physicochemical variation, residue mobility, and thermodynamic stability) has been performed at Invitae for this missense variant, however the output from this modeling did not meet the statistical confidence thresholds required to predict the impact of this variant on CHD7 protein function.

NM_017780.4(CHD7):c.5939C>A (p.Thr1980Asn)

Gene: CHD7 (chromodomain helicase DNA binding protein 7; plus strand). Cytogenetic location: 8q12.2.
Variant type: single nucleotide variant.
Coding change: c.5939C>A on transcript NM_017780.4 (MANE Select); coding-DNA position 5939, C replaced by A.
Protein change: p.Thr1980Asn; replaces threonine 1980 with asparagine.
Molecular consequence: missense variant. On other transcripts: intron variant (1).
Genome position (GRCh38, 1-based): chr8:60,852,542, C>A. VCF-style: chr8-60852542-C-A. GRCh37 (hg19) VCF-style: chr8-61765101-C-A.
Other names: c.1717-9687C>A (NM_001316690.1); short protein forms T1980N.
Identifiers: ClinVar variation 2835542 (VCV002835542.3), dbSNP rs2488035555, ClinGen allele CA371323750.